The following is an entry in ClinVar:

ClinVar aggregate classification (germline): Likely pathogenic. Review status: criteria provided, multiple submitters, no conflicts (2 of 4 stars). 4 submissions from 4 submitters: Likely pathogenic (4). Last evaluated 2025-06-24.

Conditions:
Familial cancer of breast. Also called: BREAST CANCER, FAMILIAL; hereditary breast carcinoma; Hereditary breast cancer. Identifiers: Orphanet 227535, MedGen C0346153, MONDO:0016419, OMIM 114480. Disease mechanism: loss of function.
Hereditary cancer-predisposing syndrome. Also called: Neoplastic Syndromes, Hereditary; Tumor predisposition; Hereditary Cancer Syndrome; Hereditary neoplastic syndrome. Identifiers: Orphanet 140162, MedGen C0027672, MeSH D009386, MONDO:0015356.
Hereditary breast ovarian cancer syndrome. Also called: Hereditary breast and ovarian cancer syndrome; Hereditary breast and ovarian cancer syndrome (HBOC); Hereditary breast and ovarian cancer; BRCA1- and BRCA2-Associated Hereditary Breast and Ovarian Cancer; Breast and ovarian cancer; Hereditary breast and/or ovarian cancer syndrome. Identifiers: Orphanet 145, MedGen C0677776, MeSH D061325, MONDO:0003582. Disease mechanism: loss of function.

Submissions (4):

Ambry Genetics
Classification: Likely pathogenic for Hereditary cancer-predisposing syndrome. Last evaluated: 2025-06-24. Review status: criteria provided, single submitter. Criteria: Ambry Variant Classification Scheme 2023. Collection method: clinical testing. Allele origin: germline.
Comment: The c.1096-1G>C intronic variant results from a G to C substitution one nucleotide upstream from coding exon 10 of the CHEK2 gene. Alterations that disrupt the canonical splice site are expected to cause aberrant splicing, resulting in an abnormal protein or a transcript that is subject to nonsense-mediated mRNA decay. This nucleotide position is highly conserved in available vertebrate species. In silico splice site analysis predicts that this alteration will weaken the native splice acceptor site and may result in the creation or strengthening of a novel splice acceptor site. RNA studies have demonstrated that this alteration results in abnormal splicing in the set of samples tested (Ambry internal data).This variant is considered to be rare based on population cohorts in the Genome Aggregation Database (gnomAD). Based on the majority of available evidence to date, this variant is likely to be pathogenic.

Myriad Genetics, Inc.
Classification: Likely pathogenic for Familial cancer of breast. Last evaluated: 2023-06-27. Review status: criteria provided, single submitter. Criteria: Myriad Autosomal Dominant, Autosomal Recessive and X-Linked Classification Criteria (2023). Collection method: clinical testing. Allele origin: unknown.
Comment: This variant is considered likely pathogenic. This variant occurs within a consensus splice junction and is predicted to result in abnormal mRNA splicing of either an out-of-frame exon or an in-frame exon necessary for protein stability and/or normal function.

Labcorp Genetics (formerly Invitae), Labcorp
Classification: Likely pathogenic for Familial cancer of breast. Last evaluated: 2022-09-19. Review status: criteria provided, single submitter. Criteria: Invitae Variant Classification Sherloc (09022015). Collection method: clinical testing. Allele origin: germline.
Comment: In summary, the currently available evidence indicates that the variant is pathogenic, but additional data are needed to prove that conclusively. Therefore, this variant has been classified as Likely Pathogenic. Algorithms developed to predict the effect of sequence changes on RNA splicing suggest that this variant may disrupt the consensus splice site. ClinVar contains an entry for this variant (Variation ID: 460783). This variant has not been reported in the literature in individuals affected with CHEK2-related conditions. This variant is not present in population databases (gnomAD no frequency). This sequence change affects an acceptor splice site in intron 10 of the CHEK2 gene. It is expected to disrupt RNA splicing. Variants that disrupt the donor or acceptor splice site typically lead to a loss of protein function (PMID: 16199547), and loss-of-function variants in CHEK2 are known to be pathogenic (PMID: 21876083, 24713400).

Women's Health and Genetics/Laboratory Corporation of America, LabCorp
Classification: Likely pathogenic for Hereditary breast and ovarian cancer syndrome. Last evaluated: 2020-12-11. Review status: criteria provided, single submitter. Criteria: LabCorp Variant Classification Summary - May 2015. Collection method: clinical testing. Allele origin: germline.
Comment: Variant summary: CHEK2 c.1096-1G>C is located in a canonical splice-site and is predicted to affect mRNA splicing resulting in a significantly altered protein due to either exon skipping, shortening, or inclusion of intronic material. Several computational tools predict a significant impact on normal splicing: Three predict the variant abolishes a 3' acceptor site. However, these predictions have yet to be confirmed by functional studies. The variant was absent in 248762 control chromosomes (gnomAD). To our knowledge, no occurrence of c.1096-1G>C in individuals affected with Hereditary Breast and Ovarian Cancer Syndrome and no experimental evidence demonstrating its impact on protein function have been reported. Two clinical diagnostic laboratories have submitted clinical-significance assessments for this variant to ClinVar after 2014 without evidence for independent evaluation, and both of them classified the variant as likely pathogenic. Based on the evidence outlined above, the variant was classified as likely pathogenic.

Literature cited by the submitters: PubMed 16199547 (cited by Labcorp Genetics (formerly Invitae), Labcorp); PubMed 21876083 (cited by Labcorp Genetics (formerly Invitae), Labcorp); PubMed 24713400 (cited by Labcorp Genetics (formerly Invitae), Labcorp).

NM_007194.4(CHEK2):c.1096-1G>C

Gene: CHEK2 (checkpoint kinase 2; minus strand). Cytogenetic location: 22q12.1.
Variant type: single nucleotide variant.
Coding change: c.1096-1G>C on transcript NM_007194.4 (MANE Select); the canonical splice acceptor site of the intron before coding-DNA position 1096, G replaced by C.
Molecular consequence: splice acceptor variant.
Genome position (GRCh38, 1-based): chr22:28,695,874, C>G on the plus strand (G>C on the coding strand, the complement: CHEK2 is on the minus strand). VCF-style: chr22-28695874-C-G. GRCh37 (hg19) VCF-style: chr22-29091862-C-G.
Other names: c.433-1G>C (NM_001437942.1, NM_001257387.3); c.895-1G>C (NM_001349956.3); c.1009-1G>C (NM_145862.3); c.1102-1G>C (NM_001438295.1); c.1189-1G>C (NM_001438293.1); c.1138-1G>C (NM_001438294.1); c.1225-1G>C (NM_001005735.3).
Identifiers: ClinVar variation 460783 (VCV000460783.17), dbSNP rs1060502716, ClinGen allele CA411097245.